The following is an entry in ClinVar:

ClinVar aggregate classification (germline): Benign/Likely benign. Review status: criteria provided, multiple submitters, no conflicts (2 of 4 stars). 9 submissions from 9 submitters: Benign (2); Likely benign (6). 1 of the submissions does not count toward it. Last evaluated 2025-12-22.

Conditions:
FUS-related disorder. Also called: FUS-related condition.
Tremor, hereditary essential, 4 (ETM4). Identifiers: MedGen C3539195, MONDO:0013888, OMIM 614782.
Amyotrophic lateral sclerosis type 6. Also called: FUS-Related Amyotrophic Laterial Sclerosis; AMYOTROPHIC LATERAL SCLEROSIS 6 WITHOUT FRONTOTEMPORAL DEMENTIA; Amyotrophic lateral sclerosis 6, with or without frontotemporal dementia. Identifiers: Orphanet 275872, Orphanet 803, MedGen C2931786, MONDO:0011951, OMIM 608030.
Inborn genetic diseases. Identifiers: MedGen C0950123, MeSH D030342.

Allele frequency attached by ClinVar (database versions not stated): gnomAD exomes 0.00019 and 0.00044; ExAC 0.00057; gnomAD 0.00182 and 0.00196; TOPMed 0.00186; 1000 Genomes Project 0.00200; ESP Exome Variant Server 0.00215; 1000 Genomes Project 30x 0.00219.
gnomAD v4.1: 557 of 1,613,854 alleles (0.035%); highest among the groups gnomAD compares: African/African-American, 0.61%; 1 homozygote.

Submissions (9):

Labcorp Genetics (formerly Invitae), Labcorp
Classification: Benign for Tremor, hereditary essential, 4; Amyotrophic lateral sclerosis type 6. Last evaluated: 2025-12-22. Review status: criteria provided, single submitter. Criteria: Invitae Variant Classification Sherloc (09022015). Collection method: clinical testing. Allele origin: germline.

Mayo Clinic Laboratories, Mayo Clinic
Classification: Likely benign. Last evaluated: 2025-07-21. Review status: criteria provided, single submitter. Criteria: ACMG Guidelines, 2015. Collection method: clinical testing. Allele origin: germline. Observed: 1 variant allele.
Comment: BS1, BP4, BP7

Blueprint Genetics
Classification: Likely benign. Last evaluated: 2024-10-09. Review status: criteria provided, single submitter. Criteria: ACMG Guidelines, 2015. Collection method: clinical testing. Allele origin: germline.

CeGaT Center for Human Genetics Tuebingen
Classification: Likely benign. Last evaluated: 2024-07-01. Review status: criteria provided, single submitter. Criteria: CeGaT Center For Human Genetics Tuebingen Variant Classification Criteria Version 2. Collection method: clinical testing. Allele origin: germline. Affected: yes. Observed: 2 variant alleles.
Comment: FUS: BP4, BP7

Athena Diagnostics
Classification: Benign. Last evaluated: 2024-03-28. Review status: criteria provided, single submitter. Criteria: Athena Diagnostics Criteria. Collection method: clinical testing. Allele origin: unknown.

Ambry Genetics
Classification: Likely benign for Inborn genetic diseases. Last evaluated: 2022-04-01. Review status: criteria provided, single submitter. Criteria: Ambry Variant Classification Scheme 2023. Collection method: clinical testing. Allele origin: germline.

GeneDx
Classification: Likely benign. Last evaluated: 2019-12-30. Review status: criteria provided, single submitter. Criteria: GeneDx Variant Classification Process June 2021. Collection method: clinical testing. Allele origin: germline. Affected: yes.
Comment: This variant is associated with the following publications: (PMID: 20232451)

Breakthrough Genomics
Classification: Likely benign. Review status: criteria provided, single submitter. Criteria: ACMG Guidelines, 2015. Collection method: not provided. Allele origin: germline. Inheritance: Autosomal dominant inheritance. Affected: yes.

PreventionGenetics, part of Exact Sciences
Classification: Likely benign for FUS-related condition. Last evaluated: 2019-03-05. Review status: no assertion criteria provided. Collection method: clinical testing. Allele origin: germline. Not counted in ClinVar's aggregate classification.
Comment: This variant is classified as likely benign based on ACMG/AMP sequence variant interpretation guidelines (Richards et al. 2015 PMID: 25741868, with internal and published modifications).

Literature cited by the submitters: PubMed 20232451 (cited by Mayo Clinic Laboratories, Mayo Clinic and Athena Diagnostics); PubMed 21261515 (cited by Mayo Clinic Laboratories, Mayo Clinic and Athena Diagnostics).

NM_004960.4(FUS):c.273C>T (p.Tyr91=)

Gene: FUS (FUS DNA/RNA binding protein; plus strand). Cytogenetic location: 16p11.2.
Variant type: single nucleotide variant.
Coding change: c.273C>T on transcript NM_004960.4 (MANE Select); coding-DNA position 273, C replaced by T.
Protein change: p.Tyr91=; no amino-acid change (tyrosine 91 retained).
Molecular consequence: synonymous variant. On other transcripts: non-coding transcript variant (1).
Genome position (GRCh38, 1-based): chr16:31,183,940, C>T. VCF-style: chr16-31183940-C-T. GRCh37 (hg19) VCF-style: chr16-31195261-C-T.
Other names: p.Tyr91=; c.270C>T, p.Tyr90= (NM_001170634.1); c.273C>T, p.Tyr91= (NM_001170937.1).
Identifiers: ClinVar variation 704278 (VCV000704278.41), dbSNP rs73530286, ClinGen allele CA8023557.
Genomic context (GRCh38, chr16:31,183,940, plus strand): 5'-TCCCCAGGGATATGGCTCGACTGGCGGCTATGGCAGTAGCCAGAGCTCCCAATCGTCTTA[C>T]GGGCAGCAGTCCTCCTACCCTGGCTATGGCCAGCAGCCAGCTCCCAGCAGCACCTCGGGA-3'
Protein context (NP_004951.1, residues 81-101): YGSSQSSQSS[Tyr91=]GQQSSYPGYG